The following is an entry in ClinVar:

NM_000465.4(BARD1):c.677A>G (p.Asp226Gly)

Gene: BARD1 (BRCA1 associated RING domain 1; minus strand). Cytogenetic location: 2q35.
Variant type: single nucleotide variant.
Coding change: c.677A>G on transcript NM_000465.4 (MANE Select); coding-DNA position 677, A replaced by G.
Protein change: p.Asp226Gly; replaces aspartic acid 226 with glycine.
Molecular consequence: missense variant. On other transcripts: non-coding transcript variant (2), intron variant (3).
Genome position (GRCh38, 1-based): chr2:214,781,197, T>C on the plus strand (A>G on the coding strand, the complement: BARD1 is on the minus strand). VCF-style: chr2-214781197-T-C. GRCh37 (hg19) VCF-style: chr2-215645921-T-C.
Other names: c.620A>G, p.Asp207Gly (NM_001282543.2); c.158+28215A>G (NM_001282548.2); c.215+15864A>G (NM_001282545.2); c.364+11100A>G (NM_001282549.2); short protein forms D207G, D226G.
Identifiers: ClinVar variation 1462217 (VCV001462217.9), dbSNP rs745368624, ClinGen allele CA350456459.

ClinVar aggregate classification (germline): Uncertain significance (1 of 4 stars; one submission).

Conditions:
Familial cancer of breast. Also called: Hereditary breast cancer; hereditary breast carcinoma; BREAST CANCER, FAMILIAL. Identifiers: Orphanet 227535, MedGen C0346153, MONDO:0016419, OMIM 114480. Disease mechanism: loss of function.

Submission:

Labcorp Genetics (formerly Invitae), Labcorp
Classification: Uncertain significance for Familial cancer of breast. Last evaluated: 2022-09-14. Review status: criteria provided, single submitter. Criteria: Invitae Variant Classification Sherloc (09022015). Collection method: clinical testing. Allele origin: germline.
Comment: In summary, the available evidence is currently insufficient to determine the role of this variant in disease. Therefore, it has been classified as a Variant of Uncertain Significance. Algorithms developed to predict the effect of sequence changes on RNA splicing suggest that this variant may create or strengthen a splice site. Algorithms developed to predict the effect of missense changes on protein structure and function output the following: SIFT: "Tolerated"; PolyPhen-2: "Benign"; Align-GVGD: "Class C0". The glycine amino acid residue is found in multiple mammalian species, which suggests that this missense change does not adversely affect protein function. ClinVar contains an entry for this variant (Variation ID: 1462217). This variant has not been reported in the literature in individuals affected with BARD1-related conditions. This variant is not present in population databases (gnomAD no frequency). This sequence change replaces aspartic acid, which is acidic and polar, with glycine, which is neutral and non-polar, at codon 226 of the BARD1 protein (p.Asp226Gly).